The following is an entry in ClinVar:

NM_000092.5(COL4A4):c.1169del (p.Pro390fs)

Gene: COL4A4 (collagen type IV alpha 4 chain; minus strand). Cytogenetic location: 2q36.3.
Variant type: Deletion.
Coding change: c.1169del on transcript NM_000092.5 (MANE Select); coding-DNA position 1169, one base deleted (C; older notation c.1169delC).
Protein change: p.Pro390fs; shifts the reading frame from proline 390.
Molecular consequence: frameshift variant.
Genome position (GRCh38, 1-based): chr2:227,098,729, G deleted on the plus strand (C on the coding strand, the reverse complement: COL4A4 is on the minus strand); the first of 5 consecutive G bases (chr2:227,098,729-227,098,733); deleting any one gives the same sequence. VCF-style (leftmost placement, unchanged base first): chr2-227098728-TG-T. GRCh37 (hg19) VCF-style: chr2-227963444-TG-T.
Other names: short protein forms P390fs.
Identifiers: ClinVar variation 2133804 (VCV002133804.5), dbSNP rs2475418667, ClinGen allele CA2580065834.

ClinVar aggregate classification (germline): Pathogenic/Likely pathogenic. Review status: criteria provided, multiple submitters, no conflicts (2 of 4 stars). 2 submissions from 2 submitters: Pathogenic (1); Likely pathogenic (1). Last evaluated 2024-06-10.

Conditions:
Autosomal recessive Alport syndrome (ATS2). Also called: ALPORT SYNDROME 2, AUTOSOMAL RECESSIVE; Alport syndrome type 2; COL4A3-Related Nephropathy; COL4A4 Alport Syndrome and Thin Basement Membrane Nephropathy. Identifiers: Orphanet 63, Orphanet 88919, MedGen C4746745, MONDO:0008762, OMIM 203780.
Hematuria, benign familial, 1 (BFH1). Also called: THIN MEMBRANE NEPHROPATHY. Identifiers: MedGen CN376803, MONDO:0007709, OMIM 141200.

Submissions (2):

Fulgent Genetics
Classification: Likely pathogenic for Hematuria, benign familial, 1; Autosomal recessive Alport syndrome. Last evaluated: 2024-06-10. Review status: criteria provided, single submitter. Criteria: ACMG Guidelines, 2015. Collection method: clinical testing. Allele origin: germline.

Labcorp Genetics (formerly Invitae), Labcorp
Classification: Pathogenic. Last evaluated: 2023-05-22. Review status: criteria provided, single submitter. Criteria: Invitae Variant Classification Sherloc (09022015). Collection method: clinical testing. Allele origin: germline.
Comment: For these reasons, this variant has been classified as Pathogenic. ClinVar contains an entry for this variant (Variation ID: 2133804). This variant has not been reported in the literature in individuals affected with COL4A4-related conditions. This variant is not present in population databases (gnomAD no frequency). This sequence change creates a premature translational stop signal (p.Pro390Glnfs*14) in the COL4A4 gene. It is expected to result in an absent or disrupted protein product. Loss-of-function variants in COL4A4 are known to be pathogenic (PMID: 21196518, 24854265, 25307543).

Literature cited by the submitters: PubMed 21196518 (cited by Labcorp Genetics (formerly Invitae), Labcorp); PubMed 24854265 (cited by Labcorp Genetics (formerly Invitae), Labcorp); PubMed 25307543 (cited by Labcorp Genetics (formerly Invitae), Labcorp).